The following is an entry in ClinVar:

NM_003718.5(CDK13):c.1732G>A (p.Val578Ile)

Gene: CDK13 (cyclin dependent kinase 13; plus strand). Cytogenetic location: 7p14.1.
Variant type: single nucleotide variant.
Coding change: c.1732G>A on transcript NM_003718.5 (MANE Select); coding-DNA position 1732, G replaced by A.
Protein change: p.Val578Ile; replaces valine 578 with isoleucine.
Molecular consequence: missense variant.
Genome position (GRCh38, 1-based): chr7:39,988,119, G>A. VCF-style: chr7-39988119-G-A. GRCh37 (hg19) VCF-style: chr7-40027718-G-A.
Other names: c.1732G>A, p.Val578Ile (NM_031267.4); short protein forms V578I.
Identifiers: ClinVar variation 2657401 (VCV002657401.24), dbSNP rs1784379928, ClinGen allele CA367284424.

ClinVar aggregate classification (germline): Uncertain significance (1 of 4 stars; one submission).

Allele frequency attached by ClinVar (database versions not stated): TOPMed 0.00001.

Submission:

CeGaT Center for Human Genetics Tuebingen
Classification: Uncertain significance. Last evaluated: 2022-05-01. Review status: criteria provided, single submitter. Criteria: CeGaT Center For Human Genetics Tuebingen Variant Classification Criteria Version 2. Collection method: clinical testing. Allele origin: germline. Affected: yes. Observed: 1 variant allele.
Comment: CDK13: PM2, BP4